The following is an entry in ClinVar:

NM_032656.4(DHX37):c.106G>A (p.Asp36Asn)

Genes: DHX37 (DEAH-box helicase 37; minus strand), LOC130009166 (ATAC-STARR-seq lymphoblastoid silent region 5073; plus strand). Cytogenetic location: 12q24.31.
Variant type: single nucleotide variant.
Coding change: c.106G>A on transcript NM_032656.4 (MANE Select); coding-DNA position 106, G replaced by A.
Protein change: p.Asp36Asn; replaces aspartic acid 36 with asparagine.
Molecular consequence: missense variant.
Genome position (GRCh38, 1-based): chr12:124,988,917, C>T on the plus strand (G>A on the coding strand, the complement: DHX37 is on the minus strand). VCF-style: chr12-124988917-C-T. GRCh37 (hg19) VCF-style: chr12-125473463-C-T.
Other names: short protein forms D36N.
Identifiers: ClinVar variation 2197026 (VCV002197026.4), dbSNP rs765485818, ClinGen allele CA6872561.

ClinVar aggregate classification (germline): Uncertain significance (1 of 4 stars; one submission).

Allele frequency attached by ClinVar (database versions not stated): gnomAD 0.00001; gnomAD exomes 0.00001; TOPMed 0.00002; ExAC 0.00003.
gnomAD v4.1: 16 of 1,323,402 alleles (0.0012%); highest among the groups gnomAD compares: Non-Finnish European, 0.0016%; no homozygotes.

Submission:

Labcorp Genetics (formerly Invitae), Labcorp
Classification: Uncertain significance. Last evaluated: 2022-09-20. Review status: criteria provided, single submitter. Criteria: Invitae Variant Classification Sherloc (09022015). Collection method: clinical testing. Allele origin: germline.
Comment: This variant has not been reported in the literature in individuals affected with DHX37-related conditions. In summary, the available evidence is currently insufficient to determine the role of this variant in disease. Therefore, it has been classified as a Variant of Uncertain Significance. Variants that disrupt the consensus splice site are a relatively common cause of aberrant splicing (PMID: 17576681, 9536098). Algorithms developed to predict the effect of sequence changes on RNA splicing suggest that this variant may create or strengthen a splice site. Algorithms developed to predict the effect of missense changes on protein structure and function (SIFT, PolyPhen-2, Align-GVGD) all suggest that this variant is likely to be tolerated. This variant is present in population databases (rs765485818, gnomAD 0.006%). This sequence change replaces aspartic acid, which is acidic and polar, with asparagine, which is neutral and polar, at codon 36 of the DHX37 protein (p.Asp36Asn). This variant also falls at the last nucleotide of exon 1, which is part of the consensus splice site for this exon.

Literature cited by the submitters: PubMed 17576681; PubMed 9536098.